The following is an entry in ClinVar:

NM_001378120.1(MBD5):c.-924-3T>C

Gene: MBD5 (methyl-CpG binding domain protein 5; plus strand). Cytogenetic location: 2q23.1.
Variant type: single nucleotide variant.
Coding change: c.-924-3T>C on transcript NM_001378120.1 (MANE Select); 3 bases into the intron before 924 bases upstream of the start codon, T replaced by C.
Molecular consequence: intron variant.
Genome position (GRCh38, 1-based): chr2:148,178,697, T>C. VCF-style: chr2-148178697-T-C. GRCh37 (hg19) VCF-style: chr2-148936266-T-C.
Other names: c.-924-3T>C (NM_018328.5).
Identifiers: ClinVar variation 682419 (VCV000682419.1), dbSNP rs1293921044, ClinGen allele CA758638346.

ClinVar aggregate classification (germline): Likely benign (1 of 4 stars; one submission).

Allele frequency attached by ClinVar (database versions not stated): TOPMed below 0.00001; gnomAD 0.00001; gnomAD exomes 0.00001.
gnomAD v4.1: 5 of 398,232 alleles (0.0013%); highest among the groups gnomAD compares: Non-Finnish European, 0.0018%; no homozygotes.

Submission:

GeneDx
Classification: Likely benign. Last evaluated: 2018-05-02. Review status: criteria provided, single submitter. Criteria: GeneDx Variant Classification (06012015). Collection method: clinical testing. Allele origin: germline. Affected: yes.
Comment: This variant is considered likely benign or benign based on one or more of the following criteria: it is a conservative change, it occurs at a poorly conserved position in the protein, it is predicted to be benign by multiple in silico algorithms, and/or has population frequency not consistent with disease.